The following is an entry in ClinVar:

ClinVar aggregate classification (germline): Pathogenic. Review status: reviewed by expert panel (3 of 4 stars). 2 submissions from 2 submitters: Pathogenic (1). 1 of the submissions does not count toward it. Last evaluated 2023-12-09.

Conditions:
Hereditary thrombocytopenia and hematological cancer predisposition syndrome associated with RUNX1. Also called: PLATELET DISORDER, ASPIRIN-LIKE; RUNX1 Familial Platelet Disorder with Associated Myeloid Malignancies; Familial Platelet Disorder with Propensity to Acute Myelogenous Leukemia; Familial thrombocytopenia with propensity to acute myelogenous leukemia. Identifiers: Orphanet 71290, MedGen C1832388, MeSH C563324, MONDO:0100083, OMIM 601399.
Hereditary thrombocytopenia and hematologic cancer predisposition syndrome. Identifiers: Orphanet 71290, MedGen CN281654, MONDO:0011071.

Submissions (2):

ClinGen Myeloid Malignancy Variant Curation Expert Panel
Classification: Pathogenic for Hereditary thrombocytopenia and hematologic cancer predisposition syndrome. Last evaluated: 2023-12-09. Review status: reviewed by expert panel. Criteria: ClinGen MyeloMalig ACMG Specifications v2. Collection method: curation. Allele origin: germline. Inheritance: Autosomal dominant inheritance.
Comment: NM_001754.5(RUNX1):c.664dup (p.Ser222fs) is a frameshift variant which affects all biologically relevant isoforms. This variant is predicted to undergo nonsense mediated decay in a gene in which loss-of-function is an established mechanism (frameshift (+) c.98-c.779 as per VCEP specifications) (PVS1). This variant is completely absent from all population databases with at least 20x coverage for RUNX1 (PM2_supporting). This variant is a nonsense/frameshift variant that is downstream of c.98 (PM5_Supporting). In summary, this variant meets criteria to be classified as pathogenic. ACMG/AMP criteria applied, as specified by the Myeloid Malignancy Variant Curation Expert Panel for RUNX1: PVS1, PM2_supporting, PM5_supporting.

Labcorp Genetics (formerly Invitae), Labcorp
Classification: Pathogenic for Hereditary thrombocytopenia and hematological cancer predisposition syndrome associated with RUNX1. Last evaluated: 2020-02-27. Review status: criteria provided, single submitter. Criteria: Invitae Variant Classification Sherloc (09022015). Collection method: clinical testing. Allele origin: germline. Not counted in ClinVar's aggregate classification.
Comment: This sequence change creates a premature translational stop signal (p.Ser222Phefs*6) in the RUNX1 gene. It is expected to result in an absent or disrupted protein product. This variant is not present in population databases (ExAC no frequency). This variant has not been reported in the literature in individuals with RUNX1-related conditions. Loss-of-function variants in RUNX1 are known to be pathogenic (PMID: 18723428, 24100448). For these reasons, this variant has been classified as Pathogenic.

Literature cited by the submitters: PubMed 18723428 (cited by Labcorp Genetics (formerly Invitae), Labcorp); PubMed 24100448 (cited by Labcorp Genetics (formerly Invitae), Labcorp).

NM_001754.5(RUNX1):c.664dup (p.Ser222fs)

Gene: RUNX1 (RUNX family transcription factor 1; minus strand). Cytogenetic location: 21q22.12.
Variant type: Duplication.
Coding change: c.664dup on transcript NM_001754.5 (MANE Select); coding-DNA position 664, one base duplicated (T; older notation c.664dupT).
Protein change: p.Ser222fs; shifts the reading frame from serine 222.
Molecular consequence: frameshift variant.
Genome position (GRCh38, 1-based): chr21:34,834,551, A duplicated on the plus strand (T on the coding strand, the reverse complement: RUNX1 is on the minus strand); the first of 4 consecutive A bases (chr21:34,834,551-34,834,554); duplicating any one gives the same sequence. VCF-style (leftmost placement, unchanged base first): chr21-34834550-G-GA. GRCh37 (hg19) VCF-style: chr21-36206847-G-GA.
Other names: NM_001754.5(RUNX1):c.664dup; p.Ser222fs; c.583dup, p.Ser195fs (NM_001001890.3, NM_001122607.2); short protein forms S195fs, S222fs.
Identifiers: ClinVar variation 1074352 (VCV001074352.7), dbSNP rs2146076572, ClinGen allele CA645608283.